The following is an entry in ClinVar:

NM_001083619.3(GRIA2):c.517T>C (p.Trp173Arg)

Gene: GRIA2 (glutamate ionotropic receptor AMPA type subunit 2; plus strand). Cytogenetic location: 4q32.1.
Variant type: single nucleotide variant.
Coding change: c.517T>C on transcript NM_001083619.3 (MANE Select); coding-DNA position 517, T replaced by C.
Protein change: p.Trp173Arg; replaces tryptophan 173 with arginine.
Molecular consequence: missense variant.
Genome position (GRCh38, 1-based): chr4:157,312,726, T>C. VCF-style: chr4-157312726-T-C. GRCh37 (hg19) VCF-style: chr4-158233878-T-C.
Other names: c.517T>C, p.Trp173Arg (NM_000826.6); c.376T>C, p.Trp126Arg (NM_001083620.3, NM_001379000.3, NM_001379001.3); short protein forms W126R, W173R.
Identifiers: ClinVar variation 3373481 (VCV003373481.1).

ClinVar aggregate classification (germline): Uncertain significance (1 of 4 stars; one submission).

Submission:

GeneDx
Classification: Uncertain significance. Last evaluated: 2024-03-15. Review status: criteria provided, single submitter. Criteria: GeneDx Variant Classification Process June 2021. Collection method: clinical testing. Allele origin: germline. Affected: yes.
Comment: Not observed at significant frequency in large population cohorts (gnomAD); In silico analysis supports that this missense variant has a deleterious effect on protein structure/function; Has not been previously published as pathogenic or benign to our knowledge